The following is an entry in ClinVar:

ClinVar aggregate classification (germline): Uncertain significance. Review status: criteria provided, multiple submitters, no conflicts (2 of 4 stars). 2 submissions from 2 submitters: Uncertain significance (2). Last evaluated 2024-05-02.

Conditions:
Inborn genetic diseases. Identifiers: MedGen C0950123, MeSH D030342.

Allele frequency attached by ClinVar (database versions not stated): TOPMed 0.00002; gnomAD 0.00005 and 0.00006; gnomAD exomes 0.00008 and 0.00010; ExAC 0.00012; ESP Exome Variant Server 0.00015.

Submissions (2):

Ambry Genetics
Classification: Uncertain significance for Inborn genetic diseases. Last evaluated: 2024-05-02. Review status: criteria provided, single submitter. Criteria: Ambry Variant Classification Scheme 2023. Collection method: clinical testing. Allele origin: germline.

Labcorp Genetics (formerly Invitae), Labcorp
Classification: Uncertain significance. Last evaluated: 2022-07-07. Review status: criteria provided, single submitter. Criteria: Invitae Variant Classification Sherloc (09022015). Collection method: clinical testing. Allele origin: germline.
Comment: This sequence change replaces proline, which is neutral and non-polar, with alanine, which is neutral and non-polar, at codon 167 of the ADAMTSL4 protein (p.Pro167Ala). This variant is present in population databases (rs368121489, gnomAD 0.05%). This variant has not been reported in the literature in individuals affected with ADAMTSL4-related conditions. ClinVar contains an entry for this variant (Variation ID: 1364828). Algorithms developed to predict the effect of missense changes on protein structure and function are either unavailable or do not agree on the potential impact of this missense change (SIFT: "Tolerated"; PolyPhen-2: "Possibly Damaging"; Align-GVGD: "Class C0"). In summary, the available evidence is currently insufficient to determine the role of this variant in disease. Therefore, it has been classified as a Variant of Uncertain Significance.

NM_019032.6(ADAMTSL4):c.499C>G (p.Pro167Ala)

Genes: ADAMTSL4 (ADAMTS like 4; plus strand), ADAMTSL4-AS2 (ADAMTSL4 antisense RNA 2; minus strand). Cytogenetic location: 1q21.2.
Variant type: single nucleotide variant.
Coding change: c.499C>G on transcript NM_019032.6 (MANE Select); coding-DNA position 499, C replaced by G.
Protein change: p.Pro167Ala; replaces proline 167 with alanine.
Molecular consequence: missense variant.
Genome position (GRCh38, 1-based): chr1:150,553,490, C>G. VCF-style: chr1-150553490-C-G. GRCh37 (hg19) VCF-style: chr1-150525966-C-G.
Other names: c.499C>G, p.Pro167Ala (NM_001288607.2, NM_001288608.2, NM_001378596.1 and 1 more transcripts); c.499C>G (NM_019032.4); short protein forms P167A.
Identifiers: ClinVar variation 1364828 (VCV001364828.4), dbSNP rs368121489, ClinGen allele CA1077973.